The following is an entry in ClinVar:

NM_000036.3(AMPD1):c.2147G>A (p.Arg716Gln)

Gene: AMPD1 (adenosine monophosphate deaminase 1; minus strand). Cytogenetic location: 1p13.2.
Variant type: single nucleotide variant.
Coding change: c.2147G>A on transcript NM_000036.3 (MANE Select); coding-DNA position 2147, G replaced by A.
Protein change: p.Arg716Gln; replaces arginine 716 with glutamine.
Molecular consequence: missense variant.
Genome position (GRCh38, 1-based): chr1:114,673,211, C>T on the plus strand (G>A on the coding strand, the complement: AMPD1 is on the minus strand). VCF-style: chr1-114673211-C-T. GRCh37 (hg19) VCF-style: chr1-115215832-C-T.
Other names: c.2135G>A, p.Arg712Gln (NM_001172626.2); short protein forms R712Q, R716Q.
Identifiers: ClinVar variation 2169136 (VCV002169136.7), dbSNP rs886045093, ClinGen allele CA10607357.
Genomic context (GRCh38, chr1:114,673,211, plus strand): 5'-AGTTCATAACACCAGGTTTCATAGCGATAGGCCATGCGGATTTGGGCTACATTTGTCCTC[C>T]GGATATCATTTCCAGCAGGGCCTTCCTCAAGGTAATTGTCGCCCAGAAACTTTACTTTCT-3'
Protein context (NP_000027.3, residues 706-726): LEEGPAGNDI[Arg716Gln]RTNVAQIRMA

ClinVar aggregate classification (germline): Uncertain significance. Review status: criteria provided, multiple submitters, no conflicts (2 of 4 stars). 2 submissions from 2 submitters: Uncertain significance (2). Last evaluated 2025-01-08.

Conditions:
Muscle AMP deaminase deficiency (MMDD). Also called: Myoadenylate deaminase deficiency, myopathy due to; Adenosine monophosphate deaminase 1 deficiency; AMP deaminase 1 deficiency; Adenosine Monophosphate Deaminase 1; AMPD1 DEFICIENCY; ADENOSINE MONOPHOSPHATE DEAMINASE-1 DEFICIENCY, MYOPATHY DUE TO. Identifiers: Orphanet 45, MedGen C3714933, MONDO:0014220, OMIM 615511.

Allele frequency attached by ClinVar (database versions not stated): gnomAD exomes below 0.00001 and 0.00002; TOPMed 0.00002; gnomAD 0.00003.
gnomAD v4.1: 29 of 1,613,978 alleles (0.0018%); highest among the groups gnomAD compares: African/African-American, 0.004%; no homozygotes.

Submissions (2):

Labcorp Genetics (formerly Invitae), Labcorp
Classification: Uncertain significance for Muscle AMP deaminase deficiency. Last evaluated: 2025-01-08. Review status: criteria provided, single submitter. Criteria: Invitae Variant Classification Sherloc (09022015). Collection method: clinical testing. Allele origin: germline.
Comment: This sequence change replaces arginine, which is basic and polar, with glutamine, which is neutral and polar, at codon 749 of the AMPD1 protein (p.Arg749Gln). This variant is present in population databases (no rsID available, gnomAD 0.004%). This variant has not been reported in the literature in individuals affected with AMPD1-related conditions. ClinVar contains an entry for this variant (Variation ID: 2169136). Invitae Evidence Modeling of protein sequence and biophysical properties (such as structural, functional, and spatial information, amino acid conservation, physicochemical variation, residue mobility, and thermodynamic stability) indicates that this missense variant is not expected to disrupt AMPD1 protein function with a negative predictive value of 80%. In summary, the available evidence is currently insufficient to determine the role of this variant in disease. Therefore, it has been classified as a Variant of Uncertain Significance.

Revvity Omics, Revvity
Classification: Uncertain significance for Muscle AMP deaminase deficiency. Last evaluated: 2019-04-10. Review status: criteria provided, single submitter. Criteria: ACMG Guidelines, 2015. Collection method: clinical testing. Allele origin: germline.